The following is an entry in ClinVar:

ClinVar aggregate classification (germline): Uncertain significance (1 of 4 stars; one submission).

Conditions:
Fibrous dysplasia of jaw (CRBM). Also called: Cherubism. Identifiers: Orphanet 184, MedGen C0008029, MONDO:0007315, OMIM 118400.

Submission:

Labcorp Genetics (formerly Invitae), Labcorp
Classification: Uncertain significance for Fibrous dysplasia of jaw. Last evaluated: 2025-01-14. Review status: criteria provided, single submitter. Criteria: Invitae Variant Classification Sherloc (09022015). Collection method: clinical testing. Allele origin: germline.
Comment: This sequence change replaces arginine, which is basic and polar, with histidine, which is basic and polar, at codon 126 of the SH3BP2 protein (p.Arg126His). The frequency data for this variant in the population databases is considered unreliable, as metrics indicate poor data quality at this position in the gnomAD database. This variant has not been reported in the literature in individuals affected with SH3BP2-related conditions. Invitae Evidence Modeling of protein sequence and biophysical properties (such as structural, functional, and spatial information, amino acid conservation, physicochemical variation, residue mobility, and thermodynamic stability) indicates that this missense variant is not expected to disrupt SH3BP2 protein function with a negative predictive value of 95%. In summary, the available evidence is currently insufficient to determine the role of this variant in disease. Therefore, it has been classified as a Variant of Uncertain Significance.

NM_001122681.2(SH3BP2):c.377G>A (p.Arg126His)

Gene: SH3BP2 (SH3 domain binding protein 2; plus strand). Cytogenetic location: 4p16.3.
Variant type: single nucleotide variant.
Coding change: c.377G>A on transcript NM_001122681.2 (MANE Select); coding-DNA position 377, G replaced by A.
Protein change: p.Arg126His; replaces arginine 126 with histidine.
Molecular consequence: missense variant.
Genome position (GRCh38, 1-based): chr4:2,825,145, G>A. VCF-style: chr4-2825145-G-A. GRCh37 (hg19) VCF-style: chr4-2826872-G-A.
Other names: c.461G>A, p.Arg154His (NM_001145855.2); c.548G>A, p.Arg183His (NM_001145856.2); c.377G>A, p.Arg126His (NM_003023.4); short protein forms R126H, R183H, R154H.
Identifiers: ClinVar variation 3713813 (VCV003713813.2).